The following is an entry in ClinVar:

ClinVar aggregate classification (germline): Pathogenic. Review status: criteria provided, multiple submitters, no conflicts (2 of 4 stars). 2 submissions from 2 submitters: Pathogenic (2). Last evaluated 2021-09-01.

Conditions:
Neuronal ceroid lipofuscinosis. Also called: Neuronal Ceroid Lipofuscinoses. Identifiers: Orphanet 216, Orphanet 79263, MedGen C0027877, MONDO:0016295. Disease mechanism: loss of function.
Neuronal ceroid lipofuscinosis 5 (CLN5). Also called: CEROID LIPOFUSCINOSIS, NEURONAL, 5, VARIABLE AGE AT ONSET; Neuronal ceroid lipofuscinosis Finnish variant; NEURONAL CEROID LIPOFUSCINOSIS, LATE INFANTILE, FINNISH VARIANT; CLN5-Related Neuronal Ceroid-Lipofuscinosis. Identifiers: Orphanet 168491, Orphanet 228360, MedGen C1850442, MONDO:0009745, OMIM 256731.

Submissions (2):

Labcorp Genetics (formerly Invitae), Labcorp
Classification: Pathogenic for Neuronal ceroid lipofuscinosis. Last evaluated: 2021-09-01. Review status: criteria provided, single submitter. Criteria: Invitae Variant Classification Sherloc (09022015). Collection method: clinical testing. Allele origin: germline.

Baylor Genetics
Classification: Pathogenic for Neuronal ceroid lipofuscinosis 5. Last evaluated: 2018-07-20. Review status: criteria provided, single submitter. Criteria: ACMG Guidelines, 2015. Collection method: clinical testing. Allele origin: paternal. Affected: yes.
Comment: This variant was determined to be pathogenic according to ACMG Guidelines, 2015 [PMID:25741868]. The p.W224* was previously reported in a patient with CLN5 [PMID 20157158, 23374165]

Literature cited by the submitters: PubMed 20157158 (cited by Baylor Genetics); PubMed 23374165 (cited by Baylor Genetics).

NM_006493.4(CLN5):c.965_968del (p.Tyr322fs)

Gene: CLN5 (CLN5 lysosomal BMP synthase; plus strand). Cytogenetic location: 13q22.3.
Variant type: Deletion.
Coding change: c.965_968del on transcript NM_006493.4 (MANE Select); coding-DNA positions 965 to 968, 4 bases deleted (ATTT; older notation c.965_968delATTT).
Protein change: p.Tyr322fs; shifts the reading frame from tyrosine 322.
Molecular consequence: frameshift variant. On other transcripts: 3 prime UTR variant (1).
Genome position (GRCh38, 1-based): chr13:77,000,857-77,000,860, ATTT deleted; deleting any 4 consecutive bases within chr13:77,000,856-77,000,860 gives the same sequence; the c. name uses the placement nearest the transcript's 3' end. VCF-style (leftmost placement, unchanged base first): chr13-77000855-CTATT-C. GRCh37 (hg19) VCF-style: chr13-77574990-CTATT-C.
Other names: c.*414_*417del (NM_001366624.2); c.1112_1115delATTT (NM_006493.2); short protein forms Y322fs.
Identifiers: ClinVar variation 858697 (VCV000858697.6), dbSNP rs2034349431, ClinGen allele CA916082389.